The following is an entry in ClinVar:

NM_000545.8(HNF1A):c.745T>C (p.Ser249Pro)

Gene: HNF1A (HNF1 homeobox A; plus strand). Cytogenetic location: 12q24.31.
Variant type: single nucleotide variant.
Coding change: c.745T>C on transcript NM_000545.8 (MANE Select); coding-DNA position 745, T replaced by C.
Protein change: p.Ser249Pro; replaces serine 249 with proline.
Molecular consequence: missense variant.
Genome position (GRCh38, 1-based): chr12:120,994,195, T>C. VCF-style: chr12-120994195-T-C. GRCh37 (hg19) VCF-style: chr12-121431998-T-C.
Other names: NM_001306179.2:c.745T>C; NM_000545.8(HNF1A):c.745T>C; p.Ser249Pro; c.745T>C, p.Ser249Pro (NM_001306179.2); short protein forms S249P.
Identifiers: ClinVar variation 1676716 (VCV001676716.6), dbSNP rs2135841315, ClinGen allele CA386965901.
Genomic context (GRCh38, chr12:120,994,195, plus strand): 5'-TGGAGGCTCATGGGTGGCTATTTCTGCAGGGCGGAATGCATCCAGAGAGGGGTGTCCCCA[T>C]CACAGGCACAGGGGCTGGGCTCCAACCTCGTCACGGAGGTGCGTGTCTACAACTGGTTTG-3'
Protein context (NP_000536.6, residues 239-259): AECIQRGVSP[Ser249Pro]QAQGLGSNLV

ClinVar aggregate classification (germline): Likely pathogenic. Review status: reviewed by expert panel (3 of 4 stars). 2 submissions from 2 submitters: Likely pathogenic (1). 1 of the submissions does not count toward it. Last evaluated 2026-01-28.

Conditions:
Monogenic diabetes. Identifiers: Orphanet 183625, MedGen C3888631, MONDO:0015967.

Submissions (2):

ClinGen Monogenic Diabetes Variant Curation Expert Panel
Classification: Likely pathogenic for Monogenic diabetes. Last evaluated: 2026-01-28. Review status: reviewed by expert panel. Criteria: ClinGen Diabetes ACMG Specifications HNF1A V3.1.0. Collection method: curation. Allele origin: germline. Inheritance: Autosomal dominant inheritance.
Comment: The c.745T>C variant in the HNF1 homeobox A gene, HNF1A, causes an amino acid change of serine to proline at codon 249 (p.(Ser249Pro)) of NM_000545.8. This variant is located within a conserved region of the DNA binding domain (codons 107-174 and 201-280) of HNF1A, which is defined as critical for the protein’s function by the ClinGen MDEP (PM1_Supporting). Additionally, this variant is absent from gnomAD v4.1.0 (PM2_Supporting). This variant is predicted to be deleterious by computational evidence, with a REVEL score of 0.924, which is greater than the MDEP VCEP threshold of 0.70 (PP3). This variant was identified in four unrelated individuals with non-autoimmune and non-absolute/near-absolute insulin-deficient diabetes (PS4_Moderate; PMID: 16249556, 23771925, internal lab contributors). Additionally, one of these individuals had a clinical history highly specific for HNF1A-monogenic diabetes (MODY probability estimated between 45.5-75.5% based on available clinical information, negative genetic testing for HNF4A, and antibody negative) (PP4_Moderate; internal lab contributor). In summary, c.745C>T meets the criteria to be classified as likely pathogenic for monogenic diabetes. ACMG/AMP criteria applied, as specified by the ClinGen MDEP (specification version 3.1.0, approved 10/10/2025): PM1_Supporting, PM2_Supporting, PP3, PP4_Moderate, PS4_Moderate.

Labcorp Genetics (formerly Invitae), Labcorp
Classification: Uncertain significance. Last evaluated: 2025-12-09. Review status: criteria provided, single submitter. Criteria: Invitae Variant Classification Sherloc (09022015). Collection method: clinical testing. Allele origin: germline. Not counted in ClinVar's aggregate classification.
Comment: This sequence change replaces serine, which is neutral and polar, with proline, which is neutral and non-polar, at codon 249 of the HNF1A protein (p.Ser249Pro). This variant is not present in population databases (gnomAD no frequency). This missense change has been observed in individual(s) with clinical features of maturity-onset diabetes of the young (PMID: 16249556, 23771925). ClinVar contains an entry for this variant (Variation ID: 1676716). Invitae Evidence Modeling of protein sequence and biophysical properties (such as structural, functional, and spatial information, amino acid conservation, physicochemical variation, residue mobility, and thermodynamic stability) indicates that this missense variant is not expected to disrupt HNF1A protein function with a negative predictive value of 80%. In summary, the available evidence is currently insufficient to determine the role of this variant in disease. Therefore, it has been classified as a Variant of Uncertain Significance.

Literature cited by the submitters: PubMed 16249556 (cited by ClinGen Monogenic Diabetes Variant Curation Expert Panel and Labcorp Genetics (formerly Invitae), Labcorp); PubMed 23771925 (cited by ClinGen Monogenic Diabetes Variant Curation Expert Panel and Labcorp Genetics (formerly Invitae), Labcorp).